The following is an entry in ClinVar:

ClinVar aggregate classification (germline): Uncertain significance. Review status: criteria provided, multiple submitters, no conflicts (2 of 4 stars). 2 submissions from 2 submitters: Uncertain significance (2). Last evaluated 2021-10-25.

Conditions:
Hyperkalemic periodic paralysis. Also called: Familial hyperkalemic periodic paralysis; Gamstorp disease. Identifiers: Orphanet 682, MedGen C0238357, MONDO:0008224, OMIM 170500, HP:0007215.

Submissions (2):

Labcorp Genetics (formerly Invitae), Labcorp
Classification: Uncertain significance for Hyperkalemic periodic paralysis. Last evaluated: 2021-10-25. Review status: criteria provided, single submitter. Criteria: Invitae Variant Classification Sherloc (09022015). Collection method: clinical testing. Allele origin: germline.
Comment: In summary, the available evidence is currently insufficient to determine the role of this variant in disease. Therefore, it has been classified as a Variant of Uncertain Significance. Algorithms developed to predict the effect of missense changes on protein structure and function output the following: SIFT: "Tolerated"; PolyPhen-2: "Benign"; Align-GVGD: "Class C0". The lysine amino acid residue is found in multiple mammalian species, which suggests that this missense change does not adversely affect protein function. ClinVar contains an entry for this variant (Variation ID: 805389). This variant has not been reported in the literature in individuals affected with SCN4A-related conditions. This variant is not present in population databases (gnomAD no frequency). This sequence change replaces glutamic acid, which is acidic and polar, with lysine, which is basic and polar, at codon 860 of the SCN4A protein (p.Glu860Lys).

Athena Diagnostics
Classification: Uncertain significance. Last evaluated: 2018-10-18. Review status: criteria provided, single submitter. Criteria: Athena Diagnostics Criteria. Collection method: clinical testing. Allele origin: germline.

Literature cited by the submitters: PubMed 7689382 (cited by Athena Diagnostics).

NM_000334.4(SCN4A):c.2578G>A (p.Glu860Lys)

Genes: SCN4A (sodium voltage-gated channel alpha subunit 4; minus strand), GH-LCR (growth hormone locus control region; plus strand). Cytogenetic location: 17q23.3.
Variant type: single nucleotide variant.
Coding change: c.2578G>A on transcript NM_000334.4 (MANE Select); coding-DNA position 2578, G replaced by A.
Protein change: p.Glu860Lys; replaces glutamic acid 860 with lysine.
Molecular consequence: missense variant.
Genome position (GRCh38, 1-based): chr17:63,951,699, C>T on the plus strand (G>A on the coding strand, the complement: SCN4A is on the minus strand). VCF-style: chr17-63951699-C-T. GRCh37 (hg19) VCF-style: chr17-62029059-C-T.
Other names: short protein forms E860K.
Identifiers: ClinVar variation 805389 (VCV000805389.7), dbSNP rs1346024466, ClinGen allele CA400626615.